The following is an entry in ClinVar:

NM_004820.5(CYP7B1):c.645T>C (p.Asp215=)

Gene: CYP7B1 (cytochrome P450 family 7 subfamily B member 1; minus strand). Cytogenetic location: 8q12.3.
Variant type: single nucleotide variant.
Coding change: c.645T>C on transcript NM_004820.5 (MANE Select); coding-DNA position 645, T replaced by C.
Protein change: p.Asp215=; no amino-acid change (aspartic acid 215 retained).
Molecular consequence: synonymous variant.
Genome position (GRCh38, 1-based): chr8:64,615,896, A>G on the plus strand (T>C on the coding strand, the complement: CYP7B1 is on the minus strand). VCF-style: chr8-64615896-A-G. GRCh37 (hg19) VCF-style: chr8-65528453-A-G.
Other names: p.Asp215=; c.645T>C, p.Asp215= (NM_001324112.2).
Identifiers: ClinVar variation 594007 (VCV000594007.13), dbSNP rs535511484, ClinGen allele CA4764176.

ClinVar aggregate classification (germline): Conflicting classifications of pathogenicity. Review status: criteria provided, conflicting classifications (1 of 4 stars). 3 submissions from 3 submitters: Uncertain significance (1); Likely benign (2). Last evaluated 2025-12-15.

Conditions:
Spastic paraplegia. Identifiers: MedGen C0037772, HP:0001258.

Allele frequency attached by ClinVar (database versions not stated): gnomAD exomes 0.00002 and 0.00005; gnomAD 0.00008 and 0.00007; ExAC 0.00002; TOPMed 0.00006.
gnomAD v4.1: 85 of 1,613,552 alleles (0.0053%); highest among the groups gnomAD compares: Non-Finnish European, 0.0066%; no homozygotes.

Submissions (3):

Labcorp Genetics (formerly Invitae), Labcorp
Classification: Likely benign for Spastic paraplegia. Last evaluated: 2025-12-15. Review status: criteria provided, single submitter. Criteria: Invitae Variant Classification Sherloc (09022015). Collection method: clinical testing. Allele origin: germline.

Mayo Clinic Laboratories, Mayo Clinic
Classification: Likely benign. Last evaluated: 2025-01-14. Review status: criteria provided, single submitter. Criteria: ACMG Guidelines, 2015. Collection method: clinical testing. Allele origin: germline. Observed: 1 variant allele.
Comment: BP4, BP7

Eurofins Ntd Llc (ga)
Classification: Uncertain significance. Last evaluated: 2017-09-08. Review status: criteria provided, single submitter. Criteria: EGL Classification Definitions 2015. Collection method: clinical testing. Allele origin: germline. Observed: 1 variant allele, 1 heterozygote.